The following is an entry in ClinVar:

ClinVar aggregate classification (germline): Conflicting classifications of pathogenicity. Review status: criteria provided, conflicting classifications (1 of 4 stars). 4 submissions from 4 submitters: Uncertain significance (1); Likely benign (3). Last evaluated 2025-04-01.

Conditions:
Melnick-Needles syndrome (MNS). Also called: MELNICK-NEEDLES OSTEODYSPLASTY; OSTEODYSPLASTY OF MELNICK AND NEEDLES; Melnick-Needles Syndrome (FLNA-MNS). Identifiers: Orphanet 2484, MedGen C0025237, MONDO:0010650, OMIM 309350.
Heterotopia, periventricular, X-linked dominant (PVNH1). Also called: PERIVENTRICULAR NODULAR HETEROTOPIA 4; HETEROTOPIA, PERIVENTRICULAR, 1; X-linked periventricular heterotopia; PERIVENTRICULAR NODULAR HETEROTOPIA 1. Identifiers: Orphanet 2149, Orphanet 82004, MedGen C1848213, MONDO:0010233, OMIM 300049.
Frontometaphyseal dysplasia (FMD1). Identifiers: Orphanet 1826, MedGen C0265293, MONDO:0015942.
Oto-palato-digital syndrome, type II (OPD2). Also called: FACIOPALATOOSSEOUS SYNDROME; Otopalatodigital Syndrome, Type II; OPD II SYNDROME; Otopalatodigital Syndrome Type 2 (FLNA-OPD2). Identifiers: Orphanet 669, Orphanet 90652, MedGen C1844696, MONDO:0010571, OMIM 304120.

Allele frequency attached by ClinVar (database versions not stated): ExAC 0.00002; gnomAD exomes 0.00002.
gnomAD v4.1: 20 of 1,210,807 alleles (0.0017%); highest among the groups gnomAD compares: Admixed American, 0.0087%; no homozygotes.

Submissions (4):

CeGaT Center for Human Genetics Tuebingen
Classification: Likely benign. Last evaluated: 2025-04-01. Review status: criteria provided, single submitter. Criteria: CeGaT Center For Human Genetics Tuebingen Variant Classification Criteria Version 2. Collection method: clinical testing. Allele origin: germline. Affected: yes. Observed: 1 variant allele.
Comment: FLNA: BP4, BS2

Labcorp Genetics (formerly Invitae), Labcorp
Classification: Likely benign for Oto-palato-digital syndrome, type II; Heterotopia, periventricular, X-linked dominant; Frontometaphyseal dysplasia; Melnick-Needles syndrome. Last evaluated: 2024-08-23. Review status: criteria provided, single submitter. Criteria: Invitae Variant Classification Sherloc (09022015). Collection method: clinical testing. Allele origin: germline.

GeneDx
Classification: Likely benign. Last evaluated: 2016-03-30. Review status: criteria provided, single submitter. Criteria: GeneDx Variant Classification (06012015). Collection method: clinical testing. Allele origin: germline. Affected: yes.
Comment: This variant is considered likely benign or benign based on one or more of the following criteria: it is a conservative change, it occurs at a poorly conserved position in the protein, it is predicted to be benign by multiple in silico algorithms, and/or has population frequency not consistent with disease.

Eurofins Ntd Llc (ga)
Classification: Uncertain significance. Last evaluated: 2015-02-13. Review status: criteria provided, single submitter. Criteria: EGL Classification Definitions 2015. Collection method: clinical testing. Allele origin: germline. Observed: 1 variant allele, 1 heterozygote.

NM_001110556.2(FLNA):c.623-7G>A

Gene: FLNA (filamin A; minus strand). Cytogenetic location: Xq28.
Variant type: single nucleotide variant.
Coding change: c.623-7G>A on transcript NM_001110556.2 (MANE Select); 7 bases into the intron before coding-DNA position 623, G replaced by A.
Molecular consequence: intron variant.
Genome position (GRCh38, 1-based): chrX:154,367,745, C>T on the plus strand (G>A on the coding strand, the complement: FLNA is on the minus strand). VCF-style: chrX-154367745-C-T. GRCh37 (hg19) VCF-style: chrX-153596113-C-T.
Other names: c.623-7G>A (NM_001456.4).
Identifiers: ClinVar variation 197196 (VCV000197196.23), dbSNP rs782670288, ClinGen allele CA245194.